The following is an entry in ClinVar:

NM_003896.4(ST3GAL5):c.*594G>A

Gene: ST3GAL5 (ST3 beta-galactoside alpha-2,3-sialyltransferase 5; minus strand). Cytogenetic location: 2p11.2.
Variant type: single nucleotide variant.
Coding change: c.*594G>A on transcript NM_003896.4 (MANE Select); 594 bases downstream of the stop codon, G replaced by A.
Molecular consequence: 3 prime UTR variant.
Genome position (GRCh38, 1-based): chr2:85,839,550, C>T on the plus strand (G>A on the coding strand, the complement: ST3GAL5 is on the minus strand). VCF-style: chr2-85839550-C-T. GRCh37 (hg19) VCF-style: chr2-86066673-C-T.
Other names: c.*594G>A (NM_001042437.2, NM_001354223.2, NM_001354224.2 and 9 more transcripts).
Identifiers: ClinVar variation 337323 (VCV000337323.5), dbSNP rs116456890, ClinGen allele CA10614074.

ClinVar aggregate classification (germline): Benign (1 of 4 stars; one submission).

Conditions:
GM3 synthase deficiency (SPDRS). Also called: SALT AND PEPPER DEVELOPMENTAL REGRESSION SYNDROME; AMISH INFANTILE EPILEPSY SYNDROME; SALT AND PEPPER MENTAL RETARDATION SYNDROME. Identifiers: Orphanet 171714, Orphanet 370933, MedGen C1836824, MONDO:0018274, OMIM 609056.

Allele frequency attached by ClinVar (database versions not stated): 1000 Genomes Project 0.00459; gnomAD 0.00476 and 0.00479; TOPMed 0.00508; 1000 Genomes Project 30x 0.00515; gnomAD exomes 0.00787.
gnomAD v4.1: 774 of 158,302 alleles (0.49%); highest among the groups gnomAD compares: Admixed American, 0.95%; 3 homozygotes.

Submission:

Illumina Laboratory Services, Illumina
Classification: Benign for GM3 synthase deficiency. Last evaluated: 2018-01-12. Review status: criteria provided, single submitter. Criteria: ICSL Variant Classification Criteria 13 December 2019. Collection method: clinical testing. Allele origin: germline.
Comment: This variant was observed in the ICSL laboratory as part of a predisposition screen in an ostensibly healthy population. It had not been previously curated by ICSL or reported in the Human Gene Mutation Database (HGMD: prior to June 1st, 2018), and was therefore a candidate for classification through an automated scoring system. Utilizing variant allele frequency, disease prevalence and penetrance estimates, and inheritance mode, an automated score was calculated to assess if this variant is too frequent to cause the disease. Based on the score and internal cut-off values, a variant classified as benign is not then subjected to further curation. The score for this variant resulted in a classification of benign for this disease.